The following is an entry in ClinVar:

ClinVar aggregate classification (germline): Likely benign (0 of 4 stars; one submission).

Conditions:
SLC22A25-related disorder. Also called: SLC22A25-related condition.

Allele frequency attached by ClinVar (database versions not stated): ExAC 0.00001.
gnomAD v4.1: 13 of 1,612,434 alleles (0.00081%); highest among the groups gnomAD compares: Middle Eastern, 0.05%; no homozygotes.

Submission:

PreventionGenetics, part of Exact Sciences
Classification: Likely benign for SLC22A25-related condition. Last evaluated: 2019-05-13. Review status: no assertion criteria provided. Collection method: clinical testing. Allele origin: germline.
Comment: This variant is classified as likely benign based on ACMG/AMP sequence variant interpretation guidelines (Richards et al. 2015 PMID: 25741868, with internal and published modifications).

NM_199352.6(SLC22A25):c.966C>A (p.Ser322=)

Gene: SLC22A25 (solute carrier family 22 member 25; minus strand). Cytogenetic location: 11q12.3.
Variant type: single nucleotide variant.
Coding change: c.966C>A on transcript NM_199352.6 (MANE Select); coding-DNA position 966, C replaced by A.
Protein change: p.Ser322=; no amino-acid change (serine 322 retained).
Molecular consequence: synonymous variant.
Genome position (GRCh38, 1-based): chr11:63,180,764, G>T on the plus strand (C>A on the coding strand, the complement: SLC22A25 is on the minus strand). VCF-style: chr11-63180764-G-T. GRCh37 (hg19) VCF-style: chr11-62948236-G-T.
Other names: c.966C>A, p.Ser322= (NM_001394058.1, NM_001394059.1).
Identifiers: ClinVar variation 3041581 (VCV003041581.2), dbSNP rs763396567, ClinGen allele CA6060620.